The following is an entry in ClinVar:

ClinVar aggregate classification (germline): Uncertain significance. Review status: criteria provided, single submitter (1 of 4 stars). 2 submissions from 2 submitters: Uncertain significance (1). 1 of the submissions does not count toward it. Last evaluated 2024-12-07.

Conditions:
SEMA3F-related disorder. Also called: SEMA3F-related condition.

Allele frequency attached by ClinVar (database versions not stated): ESP Exome Variant Server 0.00008; 1000 Genomes Project 30x 0.00016; 1000 Genomes Project 0.00020.

Submissions (2):

Ambry Genetics
Classification: Uncertain significance. Last evaluated: 2024-12-07. Review status: criteria provided, single submitter. Criteria: Ambry Variant Classification Scheme 2023. Collection method: clinical testing. Allele origin: germline.

PreventionGenetics, part of Exact Sciences
Classification: Uncertain significance for SEMA3F-related condition. Last evaluated: 2024-06-24. Review status: no assertion criteria provided. Collection method: clinical testing. Allele origin: germline. Not counted in ClinVar's aggregate classification.
Comment: The SEMA3F c.97C>T variant is predicted to result in the amino acid substitution p.Arg33Trp. To our knowledge, this variant has not been reported in the literature. This variant is reported in 0.016% of alleles in individuals of South Asian descent in gnomAD. At this time, the clinical significance of this variant is uncertain due to the absence of conclusive functional and genetic evidence.

NM_004186.5(SEMA3F):c.97C>T (p.Arg33Trp)

Gene: SEMA3F (semaphorin 3F; plus strand). Cytogenetic location: 3p21.31.
Variant type: single nucleotide variant.
Coding change: c.97C>T on transcript NM_004186.5 (MANE Select); coding-DNA position 97, C replaced by T.
Protein change: p.Arg33Trp; replaces arginine 33 with tryptophan.
Molecular consequence: missense variant. On other transcripts: 5 prime UTR variant (1).
Genome position (GRCh38, 1-based): chr3:50,159,719, C>T. VCF-style: chr3-50159719-C-T. GRCh37 (hg19) VCF-style: chr3-50197152-C-T.
Other names: c.-108C>T (NM_001318798.2); c.97C>T, p.Arg33Trp (NM_001318800.2); c.97C>T (NM_004186.3); short protein forms R33W.
Identifiers: ClinVar variation 3047908 (VCV003047908.3), dbSNP rs149285597, ClinGen allele CA2411620.